The following is an entry in ClinVar:

ClinVar aggregate classification (germline): Uncertain significance (1 of 4 stars; one submission).

gnomAD v4.1: 15 of 1,254,540 alleles (0.0012%); highest among the groups gnomAD compares: Non-Finnish European, 0.0015%; no homozygotes.

Submission:

Labcorp Genetics (formerly Invitae), Labcorp
Classification: Uncertain significance. Last evaluated: 2025-07-27. Review status: criteria provided, single submitter. Criteria: Invitae Variant Classification Sherloc (09022015). Collection method: clinical testing. Allele origin: germline.
Comment: This sequence change replaces arginine, which is basic and polar, with glycine, which is neutral and non-polar, at codon 105 of the KMT2B protein (p.Arg105Gly). This variant is not present in population databases (gnomAD no frequency). This variant has not been reported in the literature in individuals affected with KMT2B-related conditions. Invitae Evidence Modeling of protein sequence and biophysical properties (such as structural, functional, and spatial information, amino acid conservation, physicochemical variation, residue mobility, and thermodynamic stability) indicates that this missense variant is not expected to disrupt KMT2B protein function with a negative predictive value of 80%. In summary, the available evidence is currently insufficient to determine the role of this variant in disease. Therefore, it has been classified as a Variant of Uncertain Significance.

NM_014727.3(KMT2B):c.313C>G (p.Arg105Gly)

Gene: KMT2B (lysine methyltransferase 2B; plus strand). Cytogenetic location: 19q13.12.
Variant type: single nucleotide variant.
Coding change: c.313C>G on transcript NM_014727.3 (MANE Select); coding-DNA position 313, C replaced by G.
Protein change: p.Arg105Gly; replaces arginine 105 with glycine.
Molecular consequence: missense variant.
Genome position (GRCh38, 1-based): chr19:35,718,331, C>G. VCF-style: chr19-35718331-C-G. GRCh37 (hg19) VCF-style: chr19-36209233-C-G.
Other names: short protein forms R105G.
Identifiers: ClinVar variation 4700586 (VCV004700586.1).